The following is an entry in ClinVar:

NM_000535.7(PMS2):c.176dup (p.Asp60fs)

Gene: PMS2 (PMS1 homolog 2, mismatch repair system component; minus strand). Cytogenetic location: 7p22.1.
Variant type: Duplication.
Coding change: c.176dup on transcript NM_000535.7 (MANE Select); coding-DNA position 176, one base duplicated (A; older notation c.176dupA).
Protein change: p.Asp60fs; shifts the reading frame from aspartic acid 60.
Molecular consequence: frameshift variant. On other transcripts: 5 prime UTR variant (44), non-coding transcript variant (1), intron variant (1).
Genome position (GRCh38, 1-based): chr7:6,004,046, T duplicated on the plus strand (A on the coding strand, the reverse complement: PMS2 is on the minus strand); the first of 2 consecutive T bases (chr7:6,004,046-6,004,047); duplicating either gives the same sequence. VCF-style (leftmost placement, unchanged base first): chr7-6004045-C-CT. GRCh37 (hg19) VCF-style: chr7-6043676-C-CT.
Other names: c.-709dup (NM_001322011.2, NM_001322012.2); c.-230dup (NM_001322013.2, NM_001322003.2, NM_001322004.2 and 13 more transcripts); c.176dup, p.Asp60fs (NM_001322014.2, NM_001406868.1, NM_001406869.1 and 10 more transcripts); c.-309dup (NM_001322015.2, NM_001406875.1, NM_001406877.1 and 3 more transcripts); c.362dup, p.Asp122fs (NM_001406866.1); c.-40dup (NM_001406876.1, NM_001406883.1, NM_001322007.2 and 4 more transcripts); c.-256dup (NM_001406880.1); c.-206dup (NM_001406881.1, NM_001406900.1); and 4 more; short protein forms D60fs, D122fs.
Identifiers: ClinVar variation 2694406 (VCV002694406.3), dbSNP rs1785429311, ClinGen allele CA2697557093.

ClinVar aggregate classification (germline): Pathogenic (1 of 4 stars; one submission).

Conditions:
Hereditary nonpolyposis colorectal neoplasms. Identifiers: MedGen C0009405, MeSH D003123.

Submission:

Labcorp Genetics (formerly Invitae), Labcorp
Classification: Pathogenic for Hereditary nonpolyposis colorectal neoplasms. Last evaluated: 2023-11-08. Review status: criteria provided, single submitter. Criteria: Invitae Variant Classification Sherloc (09022015). Collection method: clinical testing. Allele origin: germline.
Comment: This sequence change creates a premature translational stop signal (p.Asp60Glyfs*8) in the PMS2 gene. It is expected to result in an absent or disrupted protein product. Loss-of-function variants in PMS2 are known to be pathogenic (PMID: 21376568, 24362816). This variant is not present in population databases (gnomAD no frequency). This variant has not been reported in the literature in individuals affected with PMS2-related conditions. For these reasons, this variant has been classified as Pathogenic.

Literature cited by the submitters: PubMed 21376568; PubMed 24362816.